The following is an entry in ClinVar:

NM_032242.4(PLXNA1):c.850C>T (p.Arg284Trp)

Gene: PLXNA1 (plexin A1; plus strand). Cytogenetic location: 3q21.3.
Variant type: single nucleotide variant.
Coding change: c.850C>T on transcript NM_032242.4 (MANE Select); coding-DNA position 850, C replaced by T.
Protein change: p.Arg284Trp; replaces arginine 284 with tryptophan.
Molecular consequence: missense variant.
Genome position (GRCh38, 1-based): chr3:126,989,443, C>T. VCF-style: chr3-126989443-C-T. GRCh37 (hg19) VCF-style: chr3-126708286-C-T.
Other names: short protein forms R284W.
Identifiers: ClinVar variation 4982721 (VCV004982721.1).
Genomic context (GRCh38, chr3:126,989,443, plus strand): 5'-GACACACAGCTGACCTCGCCTGATGCCGCCGGCGAGCACTTCTTCACGTCCAAGATCGTG[C>T]GGCTCTGTGTGGACGACCCCAAATTCTACTCGTACGTTGAGTTCCCCATTGGCTGCGAGC-3'
Protein context (NP_115618.3, residues 274-294): GEHFFTSKIV[Arg284Trp]LCVDDPKFYS

ClinVar aggregate classification (germline): Uncertain significance (1 of 4 stars; one submission).

Conditions:
PLXNA1-related disorder. Also called: PLXNA1-related condition.

gnomAD v4.1: 4 of 1,613,640 alleles (0.00025%); highest among the groups gnomAD compares: Non-Finnish European, 0.00034%; no homozygotes.

Submission:

PreventionGenetics, part of Exact Sciences
Classification: Uncertain significance for PLXNA1-related condition. Last evaluated: 2024-10-10. Review status: criteria provided, single submitter. Criteria: ACMG Guidelines, 2015. Collection method: clinical testing. Allele origin: germline.
Comment: The PLXNA1 c.850C>T variant is predicted to result in the amino acid substitution p.Arg284Trp. To our knowledge, this variant has not been reported in the literature. This variant is reported in 0.00088% of alleles in individuals of European (Non-Finnish) descent in gnomAD. At this time, the clinical significance of this variant is uncertain due to the absence of conclusive functional and genetic evidence.